The following is an entry in ClinVar:

NM_000478.6(ALPL):c.895_902del (p.Leu299fs)

Gene: ALPL (alkaline phosphatase, biomineralization associated; plus strand). Cytogenetic location: 1p36.12.
Variant type: Deletion.
Coding change: c.895_902del on transcript NM_000478.6 (MANE Select); coding-DNA positions 895 to 902, 8 bases deleted (CTGAACAG; older notation c.895_902delCTGAACAG).
Protein change: p.Leu299fs; shifts the reading frame from leucine 299.
Molecular consequence: frameshift variant.
Genome position (GRCh38, 1-based): chr1:21,573,697-21,573,704, CTGAACAG deleted; deleting any 8 consecutive bases within chr1:21,573,695-21,573,704 gives the same sequence; the c. name uses the placement nearest the transcript's 3' end. VCF-style (leftmost placement, unchanged base first): chr1-21573694-GAGCTGAAC-G. GRCh37 (hg19) VCF-style: chr1-21900187-GAGCTGAAC-G.
Other names: c.730_737del, p.Leu244fs (NM_001127501.4); c.664_671del, p.Leu222fs (NM_001177520.3); c.895_902del, p.Leu299fs (NM_001369803.2, NM_001369804.2, NM_001369805.2); short protein forms L222fs, L244fs, L299fs.
Identifiers: ClinVar variation 5011719 (VCV005011719.1).

ClinVar aggregate classification (germline): Pathogenic (1 of 4 stars; one submission).

Conditions:
Hypophosphatasia. Also called: Phosphoethanol-aminuria. Identifiers: Orphanet 436, MedGen C0020630, MeSH D007014, MONDO:0018570.

Submission:

Myriad Genetics, Inc.
Classification: Pathogenic for Hypophosphatasia. Last evaluated: 2023-09-22. Review status: criteria provided, single submitter. Criteria: Myriad Autosomal Dominant, Autosomal Recessive and X-Linked Classification Criteria (2023). Collection method: clinical testing. Allele origin: unknown.
Comment: NM_000478.4(ALPL):c.895_902del8(L299Efs*36) is expected to be pathogenic in the context of hypophosphatasia. This variant is predicted to lead to an abnormal or absent protein product due to the creation of a premature termination codon in ALPL, a gene where loss-of-function variants are known to be pathogenic. Please note: this variant was assessed in the context of healthy population screening.